The following is an entry in ClinVar:

NM_001017979.3(RAB28):c.-9C>T

Genes: RAB28 (RAB28, member RAS oncogene family; minus strand), LOC111828517 (Sharpr-MPRA regulatory regions 1971 and 3941; plus strand). Cytogenetic location: 4p15.33.
Variant type: single nucleotide variant.
Coding change: c.-9C>T on transcript NM_001017979.3 (MANE Select); 9 bases upstream of the start codon, C replaced by T.
Molecular consequence: 5 prime UTR variant.
Genome position (GRCh38, 1-based): chr4:13,484,159, G>A on the plus strand (C>T on the coding strand, the complement: RAB28 is on the minus strand). VCF-style: chr4-13484159-G-A. GRCh37 (hg19) VCF-style: chr4-13485783-G-A.
Other names: c.-9C>T (NM_001159601.2, NM_004249.4).
Identifiers: ClinVar variation 3043569 (VCV003043569.3), dbSNP rs372923657, ClinGen allele CA2860253.

ClinVar aggregate classification (germline): Uncertain significance. Review status: criteria provided, single submitter (1 of 4 stars). 2 submissions from 2 submitters: Uncertain significance (1). 1 of the submissions does not count toward it. Last evaluated 2024-06-05.

Conditions:
RAB28-related disorder. Also called: RAB28-related condition.

Allele frequency attached by ClinVar (database versions not stated): ESP Exome Variant Server 0.00008; gnomAD 0.00019; TOPMed 0.00024.
gnomAD v4.1: 146 of 1,575,772 alleles (0.0093%); highest among the groups gnomAD compares: Admixed American, 0.056%; no homozygotes.

Submissions (2):

Blueprint Genetics
Classification: Uncertain significance. Last evaluated: 2024-06-05. Review status: criteria provided, single submitter. Criteria: ACMG Guidelines, 2015. Collection method: clinical testing. Allele origin: germline.

PreventionGenetics, part of Exact Sciences
Classification: Likely benign for RAB28-related condition. Last evaluated: 2019-07-22. Review status: no assertion criteria provided. Collection method: clinical testing. Allele origin: germline. Not counted in ClinVar's aggregate classification.
Comment: This variant is classified as likely benign based on ACMG/AMP sequence variant interpretation guidelines (Richards et al. 2015 PMID: 25741868, with internal and published modifications).